The following is an entry in ClinVar:

ClinVar aggregate classification (germline): Benign/Likely benign. Review status: criteria provided, multiple submitters, no conflicts (2 of 4 stars). 5 submissions from 5 submitters: Benign (3); Likely benign (2). Last evaluated 2026-06-01.

Conditions:
AHDC1-related intellectual disability - obstructive sleep apnea - mild dysmorphism syndrome. Also called: Xia-Gibbs syndrome. Identifiers: Orphanet 412069, MedGen C4014419, MONDO:0014358, OMIM 615829.

Allele frequency attached by ClinVar (database versions not stated): gnomAD exomes 0.00011 and 0.00022; ExAC 0.00014; gnomAD 0.00014 and 0.00015; 1000 Genomes Project 30x 0.00016; TOPMed 0.00016; 1000 Genomes Project 0.00020; ESP Exome Variant Server 0.00023.
gnomAD v4.1: 352 of 1,544,876 alleles (0.023%); highest among the groups gnomAD compares: South Asian, 0.031%; no homozygotes.

Submissions (5):

CeGaT Center for Human Genetics Tuebingen
Classification: Benign. Last evaluated: 2026-06-01. Review status: criteria provided, single submitter. Criteria: CeGaT Center For Human Genetics Tuebingen Variant Classification Criteria Version 2. Collection method: clinical testing. Allele origin: germline. Affected: yes. Observed: 4 variant alleles.
Comment: AHDC1: BP4, BS1, BS2

Labcorp Genetics (formerly Invitae), Labcorp
Classification: Likely benign. Last evaluated: 2025-12-08. Review status: criteria provided, single submitter. Criteria: Invitae Variant Classification Sherloc (09022015). Collection method: clinical testing. Allele origin: germline.

Blueprint Genetics
Classification: Likely benign. Last evaluated: 2024-10-30. Review status: criteria provided, single submitter. Criteria: ACMG Guidelines, 2015. Collection method: clinical testing. Allele origin: germline.

Genome-Nilou Lab
Classification: Benign for AHDC1-related intellectual disability - obstructive sleep apnea - mild dysmorphism syndrome. Last evaluated: 2021-12-05. Review status: criteria provided, single submitter. Criteria: ACMG Guidelines, 2015. Collection method: clinical testing. Allele origin: germline. Affected: no.

GeneDx
Classification: Benign. Last evaluated: 2019-03-21. Review status: criteria provided, single submitter. Criteria: GeneDx Variant Classification Process June 2021. Collection method: clinical testing. Allele origin: germline. Affected: yes.

NM_001371928.1(AHDC1):c.4797C>T (p.Thr1599=)

Gene: AHDC1 (AT-hook DNA binding motif containing 1; minus strand). Cytogenetic location: 1p36.11.
Variant type: single nucleotide variant.
Coding change: c.4797C>T on transcript NM_001371928.1 (MANE Select); coding-DNA position 4797, C replaced by T.
Protein change: p.Thr1599=; no amino-acid change (threonine 1599 retained).
Molecular consequence: synonymous variant.
Genome position (GRCh38, 1-based): chr1:27,547,319, G>A on the plus strand (C>T on the coding strand, the complement: AHDC1 is on the minus strand). VCF-style: chr1-27547319-G-A. GRCh37 (hg19) VCF-style: chr1-27873830-G-A.
Other names: c.4797C>T, p.Thr1599= (NM_001029882.3).
Identifiers: ClinVar variation 1232053 (VCV001232053.44), dbSNP rs149147457, ClinGen allele CA715272.